The following is an entry in ClinVar:

NM_006415.4(SPTLC1):c.929C>G (p.Ala310Gly)

Gene: SPTLC1 (serine palmitoyltransferase long chain base subunit 1; minus strand). Cytogenetic location: 9q22.31.
Variant type: single nucleotide variant.
Coding change: c.929C>G on transcript NM_006415.4 (MANE Select); coding-DNA position 929, C replaced by G.
Protein change: p.Ala310Gly; replaces alanine 310 with glycine.
Molecular consequence: missense variant.
Genome position (GRCh38, 1-based): chr9:92,047,668, G>C on the plus strand (C>G on the coding strand, the complement: SPTLC1 is on the minus strand). VCF-style: chr9-92047668-G-C. GRCh37 (hg19) VCF-style: chr9-94809950-G-C.
Other names: c.929C>G, p.Ala310Gly (NM_001281303.2); c.563C>G, p.Ala188Gly (NM_001368272.1); c.464C>G, p.Ala155Gly (NM_001368273.1); c.929C>G (NM_006415.2); short protein forms A310G, A155G, A188G.
Identifiers: ClinVar variation 526710 (VCV000526710.17), dbSNP rs768841574, ClinGen allele CA5121379.

ClinVar aggregate classification (germline): Conflicting classifications of pathogenicity. Review status: criteria provided, conflicting classifications (1 of 4 stars). 5 submissions from 5 submitters: Uncertain significance (3); Likely benign (1). 1 of the submissions does not count toward it. Last evaluated 2026-02-19.

Conditions:
Neuropathy, hereditary sensory and autonomic, type 1A (HSAN1A). Also called: NEUROPATHY, HEREDITARY SENSORY AND AUTONOMIC, TYPE IA; SPTLC1-Related Hereditary Sensory Neuropathy; HSAN IA; HSN IA; NEUROPATHY, HEREDITARY SENSORY RADICULAR, AUTOSOMAL DOMINANT, TYPE 1A. Identifiers: MedGen C5235211, MONDO:0008086, OMIM 162400.
Hereditary sensory and autonomic neuropathy type 1 (HSAN1). Also called: HSAN 1; HSN Type I; Hereditary Sensory Neuropathy Type I. Identifiers: Orphanet 36386, MedGen C0020071, MONDO:0018213.
Charcot-Marie-Tooth disease. Also called: Charcot-Marie-Tooth Neuropathy; Charcot-Marie-Tooth Hereditary Neuropathy. Identifiers: Orphanet 166, MedGen C0007959, MONDO:0015626.

Allele frequency attached by ClinVar (database versions not stated): gnomAD 0.00006 and 0.00005; gnomAD exomes 0.00008; ExAC 0.00009; TOPMed 0.00006.
gnomAD v4.1: 99 of 1,613,574 alleles (0.0061%); highest among the groups gnomAD compares: Middle Eastern, 0.13%; 1 homozygote.

Submissions (5):

GeneDx
Classification: Uncertain significance. Last evaluated: 2026-02-19. Review status: criteria provided, single submitter. Criteria: GeneDx Variant Classification Process June 2021. Collection method: clinical testing. Allele origin: germline.
Comment: Reported in an individual with sensory axonal neuropathy; however, the patient was adopted so inheritance could not be determined (PMID: 22302274); In silico analysis supports that this missense variant has a deleterious effect on protein structure/function; This variant is associated with the following publications: (PMID: 26681808, 25141825, 22302274)

Women's Health and Genetics/Laboratory Corporation of America, LabCorp
Classification: Likely benign. Last evaluated: 2025-12-02. Review status: criteria provided, single submitter. Criteria: LabCorp Variant Classification Summary - May 2015. Collection method: clinical testing. Allele origin: germline.
Comment: Variant summary: SPTLC1 c.929C>G (p.Ala310Gly) results in a non-conservative amino acid change in the encoded protein sequence. Algorithms developed to predict the effect of missense changes on protein structure and function all suggest that this variant is likely to be disruptive. The variant allele was found at a frequency of 5.7e-05 in 1606580 control chromosomes, predominantly at a frequency of 7e-05 within the Non-Finnish European subpopulation in the gnomAD database, including 1 homozygote. The observed variant frequency within Non-Finnish European control individuals in the gnomAD database exceeds the estimated maximal expected allele frequency for disease-causing variants in SPTLC1.The variant, c.929C>G, has been observed in an individual affected with sensory axonal neuropathy (Davidson_2012). These report(s) do not provide unequivocal conclusions about association of the variant with Neuropathy, hereditary sensory and autonomic, type 1A. To our knowledge, no experimental evidence demonstrating an impact on protein function has been reported. The following publication have been ascertained in the context of this evaluation (PMID: 22302274). ClinVar contains an entry for this variant (Variation ID: 526710). Based on the evidence outlined above, the variant was classified as likely benign.

Labcorp Genetics (formerly Invitae), Labcorp
Classification: Uncertain significance for Hereditary sensory and autonomic neuropathy type 1. Last evaluated: 2025-10-23. Review status: criteria provided, single submitter. Criteria: Invitae Variant Classification Sherloc (09022015). Collection method: clinical testing. Allele origin: germline.
Comment: This sequence change replaces alanine, which is neutral and non-polar, with glycine, which is neutral and non-polar, at codon 310 of the SPTLC1 protein (p.Ala310Gly). This variant is present in population databases (rs768841574, gnomAD 0.01%). This missense change has been observed in individual(s) with hereditary sensory and autonomic neuropathy (PMID: 22302274). ClinVar contains an entry for this variant (Variation ID: 526710). Invitae Evidence Modeling of protein sequence and biophysical properties (such as structural, functional, and spatial information, amino acid conservation, physicochemical variation, residue mobility, and thermodynamic stability) indicates that this missense variant is not expected to disrupt SPTLC1 protein function with a negative predictive value of 80%. In summary, the available evidence is currently insufficient to determine the role of this variant in disease. Therefore, it has been classified as a Variant of Uncertain Significance.

Fulgent Genetics
Classification: Uncertain significance for Neuropathy, hereditary sensory and autonomic, type 1A. Last evaluated: 2018-10-31. Review status: criteria provided, single submitter. Criteria: ACMG Guidelines, 2015. Collection method: clinical testing. Allele origin: unknown.

Inherited Neuropathy Consortium
Classification: Uncertain significance for Charcot-Marie-Tooth disease. Review status: no assertion criteria provided. Collection method: literature only. Allele origin: germline. Affected: yes. Not counted in ClinVar's aggregate classification.

Literature cited by the submitters: PubMed 22302274 (cited by 3 submitters).